The following is an entry in ClinVar:

NM_000157.3(GBA1):c.[1197G>T];[1603C>T]

Variant type: CompoundHeterozygote.
Identifiers: ClinVar variation 424820 (VCV000424820.3).

ClinVar aggregate classification (germline): Likely pathogenic (0 of 4 stars; one submission).

Conditions:
Gaucher disease type I (GD1). Also called: ACID BETA-GLUCOSIDASE DEFICIENCY; GAUCHER DISEASE, NONCEREBRAL JUVENILE; GBA DEFICIENCY; GD I; GLUCOCEREBROSIDASE DEFICIENCY; Gaucher's disease, type 1. Identifiers: Orphanet 355, Orphanet 77259, MedGen C1961835, MONDO:0009265, OMIM 230800.

Submission:

Foundation for Research in Genetics and Endocrinology, FRIGE's Institute of Human Genetics
Classification: Likely pathogenic for Gaucher disease type I. Last evaluated: 2015-10-01. Review status: no assertion criteria provided. Collection method: research. Allele origin: germline. Inheritance: Autosomal recessive inheritance. Affected: yes. Observed: 1 compound heterozygote.
Comment: Variant c.1197G>T/p.G360R (ENST00000368373) was found to be pathogenic by online software like SIFT and Polyphen-2.